The following is an entry in ClinVar:

ClinVar aggregate classification (germline): Likely benign (1 of 4 stars; one submission).

gnomAD v4.1: 20 of 1,608,980 alleles (0.0012%); highest among the groups gnomAD compares: East Asian, 0.0022%; no homozygotes.

Submission:

CeGaT Center for Human Genetics Tuebingen
Classification: Likely benign. Last evaluated: 2026-09-01. Review status: criteria provided, single submitter. Criteria: CeGaT Center For Human Genetics Tuebingen Variant Classification Criteria Version 2. Collection method: clinical testing. Allele origin: germline. Affected: yes. Observed: 1 variant allele.
Comment: TMEM63B: BP4, BP7

NM_018426.3(TMEM63B):c.1872C>T (p.Tyr624=)

Gene: TMEM63B (transmembrane protein 63B; plus strand). Cytogenetic location: 6p21.1.
Variant type: single nucleotide variant.
Coding change: c.1872C>T on transcript NM_018426.3 (MANE Select); coding-DNA position 1872, C replaced by T.
Protein change: p.Tyr624=; no amino-acid change (tyrosine 624 retained).
Molecular consequence: synonymous variant.
Genome position (GRCh38, 1-based): chr6:44,152,628, C>T. VCF-style: chr6-44152628-C-T. GRCh37 (hg19) VCF-style: chr6-44120365-C-T.
Other names: c.1872C>T, p.Tyr624= (NM_001318792.1).
Identifiers: ClinVar variation 5040850 (VCV005040850.1).